The following is an entry in ClinVar:

ClinVar aggregate classification (germline): Pathogenic (1 of 4 stars; one submission).

Conditions:
Intellectual developmental disorder, X-linked, syndromic, with pigmentary mosaicism and coarse facies. Identifiers: MedGen C5561930, MONDO:0859080, OMIM 301066.

Submission:

Greenwood Genetic Center Diagnostic Laboratories, Greenwood Genetic Center
Classification: Pathogenic for Intellectual developmental disorder, X-linked, syndromic, with pigmentary mosaicism and coarse facies. Last evaluated: 2024-06-27. Review status: criteria provided, single submitter. Criteria: ACMG Guidelines, 2015. Collection method: clinical testing. Allele origin: germline. Affected: yes.
Comment: PS2, PS4_Moderate, PM2, PM6, PP3

NM_006521.6(TFE3):c.572T>C (p.Leu191Pro)

Gene: TFE3 (transcription factor binding to IGHM enhancer 3; minus strand). Cytogenetic location: Xp11.23.
Variant type: single nucleotide variant.
Coding change: c.572T>C on transcript NM_006521.6 (MANE Select); coding-DNA position 572, T replaced by C.
Protein change: p.Leu191Pro; replaces leucine 191 with proline.
Molecular consequence: missense variant.
Genome position (GRCh38, 1-based): chrX:49,038,405, A>G on the plus strand (T>C on the coding strand, the complement: TFE3 is on the minus strand). VCF-style: chrX-49038405-A-G. GRCh37 (hg19) VCF-style: chrX-48895930-A-G.
Other names: c.257T>C, p.Leu86Pro (NM_001282142.2); short protein forms L191P, L86P.
Identifiers: ClinVar variation 3338578 (VCV003338578.1).